The following is an entry in ClinVar:

ClinVar aggregate classification (germline): Uncertain significance (1 of 4 stars; one submission).

Allele frequency attached by ClinVar (database versions not stated): gnomAD exomes below 0.00001; TOPMed below 0.00001.

Submission:

Ambry Genetics
Classification: Uncertain significance. Last evaluated: 2024-04-27. Review status: criteria provided, single submitter. Criteria: Ambry Variant Classification Scheme 2023. Collection method: clinical testing. Allele origin: germline.
Comment: The p.R11Q variant (also known as c.32G>A), located in coding exon 1 of the POLQ gene, results from a G to A substitution at nucleotide position 32. The arginine at codon 11 is replaced by glutamine, an amino acid with highly similar properties. This amino acid position is conserved. In addition, this alteration is predicted to be tolerated by in silico analysis. Since supporting evidence is limited at this time, the clinical significance of this alteration remains unclear.

NM_199420.4(POLQ):c.32G>A (p.Arg11Gln)

Genes: POLQ (DNA polymerase theta; minus strand), LOC112872292 (Sharpr-MPRA regulatory region 30; plus strand). Cytogenetic location: 3q13.33.
Variant type: single nucleotide variant.
Coding change: c.32G>A on transcript NM_199420.4 (MANE Select); coding-DNA position 32, G replaced by A.
Protein change: p.Arg11Gln; replaces arginine 11 with glutamine.
Molecular consequence: missense variant.
Genome position (GRCh38, 1-based): chr3:121,545,846, C>T on the plus strand (G>A on the coding strand, the complement: POLQ is on the minus strand). VCF-style: chr3-121545846-C-T. GRCh37 (hg19) VCF-style: chr3-121264693-C-T.
Other names: short protein forms R11Q.
Identifiers: ClinVar variation 1729953 (VCV001729953.3), dbSNP rs2048530227, ClinGen allele CA354097814.